The following is an entry in ClinVar:

ClinVar aggregate classification (germline): Benign. Review status: criteria provided, multiple submitters, no conflicts (2 of 4 stars). 11 submissions from 10 submitters: Benign (11). Last evaluated 2026-05-08.

Conditions:
Ellis-van Creveld syndrome (EVC). Also called: Chondroectodermal dysplasia; MESOECTODERMAL DYSPLASIA. Identifiers: Orphanet 289, MedGen C0013903, MONDO:0009162, OMIM 225500.
Curry-Hall syndrome (WAD). Also called: WEYERS ACRODENTAL DYSOSTOSIS. Identifiers: Orphanet 952, MedGen C0457013, MONDO:0008673, OMIM 193530.

Allele frequency attached by ClinVar (database versions not stated): 1000 Genomes Project 30x 0.31886; 1000 Genomes Project 0.32149; TOPMed 0.36939; gnomAD 0.37250 and 0.37351; ESP Exome Variant Server 0.37365; ExAC 0.39999; gnomAD exomes 0.40843 and 0.42776.
gnomAD v4.1: 680,558 of 1,612,372 alleles (42%); highest among the groups gnomAD compares: Admixed American, 47%; 148,019 homozygotes.

Submissions (11):

Women's Health and Genetics/Laboratory Corporation of America, LabCorp
Classification: Benign. Last evaluated: 2026-05-08. Review status: criteria provided, single submitter. Criteria: LabCorp Variant Classification Summary - May 2015. Collection method: clinical testing. Allele origin: germline.

Labcorp Genetics (formerly Invitae), Labcorp
Classification: Benign for Curry-Hall syndrome; Ellis-van Creveld syndrome. Last evaluated: 2026-02-04. Review status: criteria provided, single submitter. Criteria: Invitae Variant Classification Sherloc (09022015). Collection method: clinical testing. Allele origin: germline.

ARUP Laboratories, Molecular Genetics and Genomics, ARUP Laboratories
Classification: Benign. Last evaluated: 2025-07-22. Review status: criteria provided, single submitter. Criteria: ARUP Molecular Germline Variant Investigation Process 2024. Collection method: clinical testing. Allele origin: germline.

Blueprint Genetics
Classification: Benign. Last evaluated: 2024-11-26. Review status: criteria provided, single submitter. Criteria: ACMG Guidelines, 2015. Collection method: clinical testing. Allele origin: germline.

Genome-Nilou Lab
Classification: Benign for Curry-Hall syndrome. Last evaluated: 2021-07-30. Review status: criteria provided, single submitter. Criteria: ACMG Guidelines, 2015. Collection method: clinical testing. Allele origin: germline. Affected: no.

Genome-Nilou Lab
Classification: Benign for Ellis-van Creveld syndrome. Last evaluated: 2021-07-30. Review status: criteria provided, single submitter. Criteria: ACMG Guidelines, 2015. Collection method: clinical testing. Allele origin: germline. Affected: no.

Pars Genome Lab
Classification: Benign for Ellis-van Creveld syndrome. Last evaluated: 2021-06-15. Review status: criteria provided, single submitter. Criteria: ACMG Guidelines, 2015. Collection method: clinical testing. Allele origin: germline. Affected: no.

GeneDx
Classification: Benign. Last evaluated: 2016-03-03. Review status: criteria provided, single submitter. Criteria: GeneDx Variant Classification (06012015). Collection method: clinical testing. Allele origin: germline. Affected: yes.
Comment: This variant is considered likely benign or benign based on one or more of the following criteria: it is a conservative change, it occurs at a poorly conserved position in the protein, it is predicted to be benign by multiple in silico algorithms, and/or has population frequency not consistent with disease.

Eurofins Ntd Llc (ga)
Classification: Benign. Last evaluated: 2015-10-08. Review status: criteria provided, single submitter. Criteria: EGL Classification Definitions 2015. Collection method: clinical testing. Allele origin: germline. Observed: 2 variant alleles, 1 heterozygote, 1 homozygote.

Breakthrough Genomics
Classification: Benign. Review status: criteria provided, single submitter. Criteria: ACMG Guidelines, 2015. Collection method: not provided. Allele origin: germline. Inheritance: Autosomal recessive inheritance. Affected: yes.

PreventionGenetics, part of Exact Sciences
Classification: Benign. Review status: criteria provided, single submitter. Criteria: ACMG Guidelines, 2015. Collection method: clinical testing. Allele origin: germline.

NM_153717.3(EVC):c.1099-19T>C

Gene: EVC (EvC ciliary complex subunit 1; plus strand). Cytogenetic location: 4p16.2.
Variant type: single nucleotide variant.
Coding change: c.1099-19T>C on transcript NM_153717.3 (MANE Select); 19 bases into the intron before coding-DNA position 1099, T replaced by C.
Molecular consequence: intron variant.
Genome position (GRCh38, 1-based): chr4:5,752,817, T>C. VCF-style: chr4-5752817-T-C. GRCh37 (hg19) VCF-style: chr4-5754544-T-C.
Other names: c.1099-19T>C (NM_001306090.2, NM_001306092.2).
Identifiers: ClinVar variation 262764 (VCV000262764.37), dbSNP rs899691, ClinGen allele CA2836004.